The following is an entry in ClinVar:

ClinVar aggregate classification (germline): Uncertain significance (1 of 4 stars; one submission).

Submission:

GeneDx
Classification: Uncertain significance. Last evaluated: 2026-02-01. Review status: criteria provided, single submitter. Criteria: GeneDx Variant Classification Process June 2021. Collection method: clinical testing. Allele origin: germline.
Comment: In silico analysis supports that this missense variant has a deleterious effect on protein structure/function; Not observed at significant frequency in large population cohorts (gnomAD); Has not been previously published as pathogenic or benign to our knowledge

NM_001042750.2(STAG2):c.2207G>C (p.Cys736Ser)

Gene: STAG2 (STAG2 cohesin complex component; plus strand). Cytogenetic location: Xq25.
Variant type: single nucleotide variant.
Coding change: c.2207G>C on transcript NM_001042750.2 (MANE Select); coding-DNA position 2207, G replaced by C.
Protein change: p.Cys736Ser; replaces cysteine 736 with serine.
Molecular consequence: missense variant.
Genome position (GRCh38, 1-based): chrX:124,066,378, G>C. VCF-style: chrX-124066378-G-C. GRCh37 (hg19) VCF-style: chrX-123200228-G-C.
Other names: c.2207G>C, p.Cys736Ser (NM_001042749.2, NM_001042751.2, NM_001282418.2 and 13 more transcripts); short protein forms C736S.
Identifiers: ClinVar variation 3363769 (VCV003363769.2).